The following is an entry in ClinVar:

NM_001164508.2(NEB):c.24875T>C (p.Val8292Ala)

Genes: NEB (nebulin; minus strand), RIF1 (replication timing regulatory factor 1; plus strand). Cytogenetic location: 2q23.3.
Variant type: single nucleotide variant.
Coding change: c.24875T>C on transcript NM_001164508.2 (MANE Select); coding-DNA position 24875, T replaced by C.
Protein change: p.Val8292Ala; replaces valine 8292 with alanine.
Molecular consequence: missense variant.
Genome position (GRCh38, 1-based): chr2:151,492,280, A>G on the plus strand (T>C on the coding strand, the complement: NEB is on the minus strand). VCF-style: chr2-151492280-A-G. GRCh37 (hg19) VCF-style: chr2-152348794-A-G.
Other names: c.24875T>C, p.Val8292Ala (NM_001164507.2); c.24980T>C, p.Val8327Ala (NM_001271208.2); c.19307T>C, p.Val6436Ala (NM_004543.5); short protein forms V6436A, V8292A, V8327A.
Identifiers: ClinVar variation 1713490 (VCV001713490.3), dbSNP rs2551708207, ClinGen allele CA348774040.

ClinVar aggregate classification (germline): Uncertain significance (1 of 4 stars; one submission).

Conditions:
Nemaline myopathy 2 (NEM2). Also called: Nemaline myopathy 2, autosomal recessive. Identifiers: MedGen C1850569, MONDO:0009725, OMIM 256030.

Submission:

Labcorp Genetics (formerly Invitae), Labcorp
Classification: Uncertain significance for Nemaline myopathy 2. Last evaluated: 2022-07-23. Review status: criteria provided, single submitter. Criteria: Invitae Variant Classification Sherloc (09022015). Collection method: clinical testing. Allele origin: germline.
Comment: This sequence change replaces valine, which is neutral and non-polar, with alanine, which is neutral and non-polar, at codon 8327 of the NEB protein (p.Val8327Ala). This variant is not present in population databases (gnomAD no frequency). This variant has not been reported in the literature in individuals affected with NEB-related conditions. Algorithms developed to predict the effect of missense changes on protein structure and function are either unavailable or do not agree on the potential impact of this missense change (SIFT: "Deleterious"; PolyPhen-2: "Not Available"; Align-GVGD: "Class C0"). In summary, the available evidence is currently insufficient to determine the role of this variant in disease. Therefore, it has been classified as a Variant of Uncertain Significance.